The following is an entry in ClinVar:

NM_000093.5(COL5A1):c.4184CAGGCCCCG[3] (p.Ala1398_Pro1400dup)

Gene: COL5A1 (collagen type V alpha 1 chain; plus strand). Cytogenetic location: 9q34.3.
Variant type: Microsatellite.
Coding change: c.4184CAGGCCCCG[3] on transcript NM_000093.5 (MANE Select); three copies in a row of the 9-base unit CAGGCCCCG starting at c.4184; the reference has two copies in a row; one copy, 9 bases duplicated; also written c.4193_4201dup.
Protein change: p.Ala1398_Pro1400dup.
Molecular consequence: inframe insertion.
Genome position (GRCh38, 1-based): chr9:134,817,794-134,817,802, CAGGCCCCG duplicated; duplicating any 9 consecutive bases within chr9:134,817,785-134,817,802 gives the same sequence; the position shown is the placement nearest the transcript's 3' end. VCF-style (leftmost placement, unchanged base first): chr9-134817784-C-CCAGGCCCCG. GRCh37 (hg19) VCF-style: chr9-137709630-C-CCAGGCCCCG.
Other names: c.4184CAGGCCCCG[3], p.Ala1398_Pro1400dup (NM_001278074.1); c.4193_4201dup (NM_000093.3).
Identifiers: ClinVar variation 1163909 (VCV001163909.10), dbSNP rs2132861348, ClinGen allele CA2580617156.

ClinVar aggregate classification (germline): Uncertain significance. Review status: criteria provided, multiple submitters, no conflicts (2 of 4 stars). 3 submissions from 3 submitters: Uncertain significance (3). Last evaluated 2025-03-31.

Conditions:
Ehlers-Danlos syndrome, classic type, 1 (EDSCL1). Also called: EHLERS-DANLOS SYNDROME, GRAVIS TYPE; EHLERS-DANLOS SYNDROME, SEVERE CLASSIC TYPE; Ehlers-Danlos syndrome, type 1; Ehlers-Danlos Syndrome, Classic Type, COL5A1-Related; EDS I. Identifiers: MedGen C0268335, MONDO:0019567, OMIM 130000.

Submissions (3):

Labcorp Genetics (formerly Invitae), Labcorp
Classification: Uncertain significance for Ehlers-Danlos syndrome, classic type, 1. Last evaluated: 2025-03-31. Review status: criteria provided, single submitter. Criteria: Invitae Variant Classification Sherloc (09022015). Collection method: clinical testing. Allele origin: germline.
Comment: This variant, c.4193_4201dup, results in the insertion of 3 amino acid(s) of the COL5A1 protein (p.Ala1398_Pro1400dup), but otherwise preserves the integrity of the reading frame. This variant is not present in population databases (gnomAD no frequency). This variant has not been reported in the literature in individuals affected with COL5A1-related conditions. Experimental studies and prediction algorithms are not available or were not evaluated, and the functional significance of this variant is currently unknown. In summary, the available evidence is currently insufficient to determine the role of this variant in disease. Therefore, it has been classified as a Variant of Uncertain Significance.

GeneDx
Classification: Uncertain significance. Last evaluated: 2022-09-27. Review status: criteria provided, single submitter. Criteria: GeneDx Variant Classification Process June 2021. Collection method: clinical testing. Allele origin: germline. Affected: yes.
Comment: Not observed at significant frequency in large population cohorts (gnomAD); In-frame insertion of 3 amino acids in a non-repeat region; Occurs in the triple helical helical domain and is predicted to add canonical Gly-X-Y repeat units; an in-frame duplication variant in this region is expected to disrupt normal protein folding and function (Symoens et al., 2012; HGMD); Has not been previously published as pathogenic or benign to our knowledge; This variant is associated with the following publications: (PMID: 22696272)

Mayo Clinic Laboratories, Mayo Clinic
Classification: Uncertain significance. Last evaluated: 2020-11-25. Review status: criteria provided, single submitter. Criteria: ACMG Guidelines, 2015. Collection method: clinical testing. Allele origin: germline. Observed: 1 variant allele.